The following is an entry in ClinVar:

ClinVar aggregate classification (germline): Likely benign. Review status: criteria provided, multiple submitters, no conflicts (2 of 4 stars). 2 submissions from 2 submitters: Likely benign (2). Last evaluated 2026-06-22.

Conditions:
INPP5E-related disorder. Also called: INPP5E-related condition.
Joubert syndrome. Also called: JOUBERT-BOLTSHAUSER SYNDROME; Familial aplasia of the vermis. Identifiers: Orphanet 475, MedGen C5979921, MONDO:0018772.

Allele frequency attached by ClinVar (database versions not stated): gnomAD exomes below 0.00001; TOPMed 0.00001.
gnomAD v4.1: 6 of 1,610,526 alleles (0.00037%); highest among the groups gnomAD compares: Admixed American, 0.0017%; no homozygotes.

Submissions (2):

PreventionGenetics, part of Exact Sciences
Classification: Likely benign for INPP5E-related condition. Last evaluated: 2026-06-22. Review status: criteria provided, single submitter. Criteria: ACMG Guidelines, 2015. Collection method: clinical testing. Allele origin: germline.
Comment: This variant is classified as likely benign based on ACMG/AMP sequence variant interpretation guidelines (Richards et al. 2015 PMID: 25741868, with internal and published modifications).

Labcorp Genetics (formerly Invitae), Labcorp
Classification: Likely benign for Joubert syndrome. Last evaluated: 2022-12-03. Review status: criteria provided, single submitter. Criteria: Invitae Variant Classification Sherloc (09022015). Collection method: clinical testing. Allele origin: germline.

NM_019892.6(INPP5E):c.1653G>A (p.Thr551=)

Gene: INPP5E (inositol polyphosphate-5-phosphatase E; minus strand). Cytogenetic location: 9q34.3.
Variant type: single nucleotide variant.
Coding change: c.1653G>A on transcript NM_019892.6 (MANE Select); coding-DNA position 1653, G replaced by A.
Protein change: p.Thr551=; no amino-acid change (threonine 551 retained).
Molecular consequence: synonymous variant.
Genome position (GRCh38, 1-based): chr9:136,431,014, C>T on the plus strand (G>A on the coding strand, the complement: INPP5E is on the minus strand). VCF-style: chr9-136431014-C-T. GRCh37 (hg19) VCF-style: chr9-139325466-C-T.
Other names: c.1650G>A, p.Thr550= (NM_001318502.2); c.1653G>A (NM_019892.5).
Identifiers: ClinVar variation 2145988 (VCV002145988.5), dbSNP rs1474030166, ClinGen allele CA467720184.